The following is an entry in ClinVar:

ClinVar aggregate classification (germline): Uncertain significance (1 of 4 stars; one submission).

Conditions:
Oligodontia-cancer predisposition syndrome. Also called: TOOTH AGENESIS-COLORECTAL CANCER SYNDROME. Identifiers: Orphanet 300576, MedGen C1837750, MONDO:0012075, OMIM 608615. Disease mechanism: loss of function.

Submission:

Labcorp Genetics (formerly Invitae), Labcorp
Classification: Uncertain significance for Oligodontia-cancer predisposition syndrome. Last evaluated: 2020-12-09. Review status: criteria provided, single submitter. Criteria: Invitae Variant Classification Sherloc (09022015). Collection method: clinical testing. Allele origin: germline.
Comment: This variant is not present in population databases (ExAC no frequency). This sequence change falls in intron 7 of the AXIN2 gene. It does not directly change the encoded amino acid sequence of the AXIN2 protein. In summary, the available evidence is currently insufficient to determine the role of this variant in disease. Therefore, it has been classified as a Variant of Uncertain Significance. Algorithms developed to predict the effect of sequence changes on RNA splicing suggest that this variant may disrupt the consensus splice site, but this prediction has not been confirmed by published transcriptional studies. This variant has not been reported in the literature in individuals with AXIN2-related conditions.

NM_004655.4(AXIN2):c.1908-11_1908-10delinsAA

Gene: AXIN2 (axin 2; minus strand). Cytogenetic location: 17q24.1.
Variant type: Indel.
Coding change: c.1908-11_1908-10delinsAA on transcript NM_004655.4 (MANE Select); 11 bases into the intron before coding-DNA position 1908 through 10 bases into the intron before coding-DNA position 1908, TC replaced by AA.
Molecular consequence: intron variant.
Genome position (GRCh38, 1-based): chr17:65,536,563-65,536,564, GA replaced by TT on the plus strand (TC replaced by AA on the coding strand, the reverse complement: AXIN2 is on the minus strand). VCF-style: chr17-65536563-GA-TT. GRCh37 (hg19) VCF-style: chr17-63532681-GA-TT.
Other names: c.1713-11_1713-10delinsAA (NM_001363813.1).
Identifiers: ClinVar variation 835332 (VCV000835332.9), dbSNP rs2043922406, ClinGen allele CA916081919.